The following is an entry in ClinVar:

NM_020458.4(TTC7A):c.1018dup (p.Asp340fs)

Gene: TTC7A (tetratricopeptide repeat domain 7A; plus strand). Cytogenetic location: 2p21.
Variant type: Duplication.
Coding change: c.1018dup on transcript NM_020458.4 (MANE Select); coding-DNA position 1018, one base duplicated (G; older notation c.1018dupG).
Protein change: p.Asp340fs; shifts the reading frame from aspartic acid 340.
Molecular consequence: frameshift variant. On other transcripts: 5 prime UTR variant (1).
Genome position (GRCh38, 1-based): chr2:46,995,152, G duplicated; the last of 2 consecutive G bases (chr2:46,995,151-46,995,152); duplicating either gives the same sequence. VCF-style (leftmost placement, unchanged base first): chr2-46995150-A-AG. GRCh37 (hg19) VCF-style: chr2-47222289-A-AG.
Other names: c.1018dup, p.Asp340fs (NM_001288951.2); c.916dup, p.Asp306fs (NM_001288953.2); c.-45dup (NM_001288955.2); short protein forms D306fs, D340fs.
Identifiers: ClinVar variation 949136 (VCV000949136.8), dbSNP rs762504554, ClinGen allele CA1647454.

ClinVar aggregate classification (germline): Pathogenic (1 of 4 stars; one submission).

Conditions:
Multiple gastrointestinal atresias. Also called: FAMILIAL INTESTINAL POLYATRESIA SYNDROME; Multiple intestinal atresia. Identifiers: Orphanet 2300, MedGen C0220744, MONDO:0009465.

Submission:

Labcorp Genetics (formerly Invitae), Labcorp
Classification: Pathogenic for Multiple gastrointestinal atresias. Last evaluated: 2022-12-02. Review status: criteria provided, single submitter. Criteria: Invitae Variant Classification Sherloc (09022015). Collection method: clinical testing. Allele origin: germline.
Comment: For these reasons, this variant has been classified as Pathogenic. ClinVar contains an entry for this variant (Variation ID: 949136). This variant has not been reported in the literature in individuals affected with TTC7A-related conditions. This variant is present in population databases (rs762504554, gnomAD 0.0009%). This sequence change creates a premature translational stop signal (p.Asp340Glyfs*45) in the TTC7A gene. It is expected to result in an absent or disrupted protein product. Loss-of-function variants in TTC7A are known to be pathogenic (PMID: 23830146, 24292712).

Literature cited by the submitters: PubMed 23830146; PubMed 24292712.